The following is an entry in ClinVar:

NC_000012.12:g.(?_51912465)_(51912545_?)del

Gene: ACVRL1 (activin A receptor like type 1; plus strand). Cytogenetic location: 12q13.13.
Variant type: Deletion.
Identifiers: ClinVar variation 830467 (VCV000830467.7).

ClinVar aggregate classification (germline): Pathogenic (1 of 4 stars; one submission).

Conditions:
Telangiectasia, hereditary hemorrhagic, type 2 (HHT2). Also called: ACVRL1-Related Hereditary Hemorrhagic Telangiectasia; Telangiectasia, hereditary hemorrhagic, type II. Identifiers: Orphanet 774, MedGen C1838163, MONDO:0010880, OMIM 600376. Disease mechanism: loss of function.

Submission:

Labcorp Genetics (formerly Invitae), Labcorp
Classification: Pathogenic for Telangiectasia, hereditary hemorrhagic, type 2. Last evaluated: 2019-08-22. Review status: criteria provided, single submitter. Criteria: Invitae Variant Classification Sherloc (09022015). Collection method: clinical testing. Allele origin: germline.
Comment: For these reasons, this variant has been classified as Pathogenic. Loss-of-function variants in ACVRL1 are known to be pathogenic (PMID: 15879500). This variant is a gross deletion of the genomic region encompassing exon 2 of the ACVRL1 gene, which includes the initiator codon. The 5' end of this event is unknown as it extends beyond the assayed region for this gene and therefore may encompass additional genes. The 3' boundary is likely confined to intron 2 of the ACVRL1 gene. This is expected to result in an absent or disrupted protein product.

Literature cited by the submitters: PubMed 15879500.